The following is an entry in ClinVar:

ClinVar aggregate classification (germline): Uncertain significance (1 of 4 stars; one submission).

Conditions:
PRPH2-related disorder. Also called: PRPH2-related condition; PRPH2-related disorders. Identifiers: MedGen CN239395.

Allele frequency attached by ClinVar (database versions not stated): ExAC 0.00001.
gnomAD v4.1: 8 of 1,609,430 alleles (0.0005%); highest among the groups gnomAD compares: African/African-American, 0.0013%; no homozygotes.

Submission:

Labcorp Genetics (formerly Invitae), Labcorp
Classification: Uncertain significance for PRPH2-related disorder. Last evaluated: 2025-05-14. Review status: criteria provided, single submitter. Criteria: Invitae Variant Classification Sherloc (09022015). Collection method: clinical testing. Allele origin: germline.
Comment: This sequence change replaces valine, which is neutral and non-polar, with phenylalanine, which is neutral and non-polar, at codon 268 of the PRPH2 protein (p.Val268Phe). The frequency data for this variant in the population databases is considered unreliable, as metrics indicate poor data quality at this position in the gnomAD database. This variant has not been reported in the literature in individuals affected with PRPH2-related conditions. ClinVar contains an entry for this variant (Variation ID: 1443011). Invitae Evidence Modeling of protein sequence and biophysical properties (such as structural, functional, and spatial information, amino acid conservation, physicochemical variation, residue mobility, and thermodynamic stability) indicates that this missense variant is not expected to disrupt PRPH2 protein function with a negative predictive value of 95%. In summary, the available evidence is currently insufficient to determine the role of this variant in disease. Therefore, it has been classified as a Variant of Uncertain Significance.

NM_000322.5(PRPH2):c.802G>T (p.Val268Phe)

Gene: PRPH2 (peripherin 2; minus strand). Cytogenetic location: 6p21.1.
Variant type: single nucleotide variant.
Coding change: c.802G>T on transcript NM_000322.5 (MANE Select); coding-DNA position 802, G replaced by T.
Protein change: p.Val268Phe; replaces valine 268 with phenylalanine.
Molecular consequence: missense variant.
Genome position (GRCh38, 1-based): chr6:42,704,391, C>A on the plus strand (G>T on the coding strand, the complement: PRPH2 is on the minus strand). VCF-style: chr6-42704391-C-A. GRCh37 (hg19) VCF-style: chr6-42672129-C-A.
Other names: short protein forms V268F.
Identifiers: ClinVar variation 1443011 (VCV001443011.8), dbSNP rs62645936, ClinGen allele CA3808534.